The following is an entry in ClinVar:

ClinVar aggregate classification (germline): Likely benign. Review status: criteria provided, multiple submitters, no conflicts (2 of 4 stars). 4 submissions from 4 submitters: Likely benign (4). Last evaluated 2026-01-14.

Conditions:
Charcot-Marie-Tooth disease axonal type 2P. Also called: CHARCOT-MARIE-TOOTH DISEASE, AXONAL, TYPE 2G; CMT 2G; CHARCOT-MARIE-TOOTH NEUROPATHY, TYPE 2P; Charcot-Marie-Tooth Neuropathy Type 2G. Identifiers: Orphanet 300319, Orphanet 99941, MedGen C3280797, MONDO:0013753, OMIM 614436.
LRSAM1-related disorder. Also called: LRSAM1-related condition.

Allele frequency attached by ClinVar (database versions not stated): TOPMed 0.00008.
gnomAD v4.1: 102 of 1,613,402 alleles (0.0063%); highest among the groups gnomAD compares: Non-Finnish European, 0.0086%; no homozygotes.

Submissions (4):

Labcorp Genetics (formerly Invitae), Labcorp
Classification: Likely benign for Charcot-Marie-Tooth disease axonal type 2P. Last evaluated: 2026-01-14. Review status: criteria provided, single submitter. Criteria: Invitae Variant Classification Sherloc (09022015). Collection method: clinical testing. Allele origin: germline.

PreventionGenetics, part of Exact Sciences
Classification: Likely benign for LRSAM1-related condition. Last evaluated: 2025-05-15. Review status: criteria provided, single submitter. Criteria: ACMG Guidelines, 2015. Collection method: clinical testing. Allele origin: germline.
Comment: This variant is classified as likely benign based on ACMG/AMP sequence variant interpretation guidelines (Richards et al. 2015 PMID: 25741868, with internal and published modifications).

Blueprint Genetics
Classification: Likely benign. Last evaluated: 2024-10-08. Review status: criteria provided, single submitter. Criteria: ACMG Guidelines, 2015. Collection method: clinical testing. Allele origin: germline.

GeneDx
Classification: Likely benign. Last evaluated: 2017-02-14. Review status: criteria provided, single submitter. Criteria: GeneDx Variant Classification (06012015). Collection method: clinical testing. Allele origin: germline. Affected: yes.
Comment: This variant is considered likely benign or benign based on one or more of the following criteria: it is a conservative change, it occurs at a poorly conserved position in the protein, it is predicted to be benign by multiple in silico algorithms, and/or has population frequency not consistent with disease.

NM_001005373.4(LRSAM1):c.253-9C>T

Gene: LRSAM1 (leucine rich repeat and sterile alpha motif containing 1; plus strand). Cytogenetic location: 9q33.3.
Variant type: single nucleotide variant.
Coding change: c.253-9C>T on transcript NM_001005373.4 (MANE Select); 9 bases into the intron before coding-DNA position 253, C replaced by T.
Molecular consequence: intron variant.
Genome position (GRCh38, 1-based): chr9:127,458,994, C>T. VCF-style: chr9-127458994-C-T. GRCh37 (hg19) VCF-style: chr9-130221273-C-T.
Other names: c.253-9C>T (NM_138361.5, NM_001384142.1, NM_001384143.1 and 2 more transcripts); c.-532-9C>T (NM_001384144.1).
Identifiers: ClinVar variation 507427 (VCV000507427.13), dbSNP rs199925705, ClinGen allele CA5246475.